The following is an entry in ClinVar:

ClinVar aggregate classification (germline): Uncertain significance. Review status: criteria provided, multiple submitters, no conflicts (2 of 4 stars). 2 submissions from 2 submitters: Uncertain significance (2). Last evaluated 2025-07-01.

Conditions:
Familial thoracic aortic aneurysm and aortic dissection (TAAD). Also called: Thoracic aortic aneurysms and dissections. Identifiers: Orphanet 91387, MedGen C4707243, MONDO:0019625.

Allele frequency attached by ClinVar (database versions not stated): gnomAD exomes below 0.00001.
gnomAD v4.1: 7 of 1,614,062 alleles (0.00043%); highest among the groups gnomAD compares: Non-Finnish European, 0.00042%; no homozygotes.

Submissions (2):

CeGaT Center for Human Genetics Tuebingen
Classification: Uncertain significance. Last evaluated: 2025-07-01. Review status: criteria provided, single submitter. Criteria: CeGaT Center For Human Genetics Tuebingen Variant Classification Criteria Version 2. Collection method: clinical testing. Allele origin: germline. Affected: yes. Observed: 1 variant allele.

Ambry Genetics
Classification: Uncertain significance for Familial thoracic aortic aneurysm and aortic dissection. Last evaluated: 2018-02-02. Review status: criteria provided, single submitter. Criteria: Ambry Variant Classification Scheme 2023. Collection method: clinical testing. Allele origin: germline.
Comment: The p.G2638D variant (also known as c.7913G>A), located in coding exon 62 of the FBN2 gene, results from a G to A substitution at nucleotide position 7913. The glycine at codon 2638 is replaced by aspartic acid, an amino acid with some similar properties. This amino acid position is well conserved in available vertebrate species. In addition, the in silico prediction for this alteration is inconclusive. Since supporting evidence is limited at this time, the clinical significance of this alteration remains unclear.

NM_001999.4(FBN2):c.7913G>A (p.Gly2638Asp)

Gene: FBN2 (fibrillin 2; minus strand). Cytogenetic location: 5q23.3.
Variant type: single nucleotide variant.
Coding change: c.7913G>A on transcript NM_001999.4 (MANE Select); coding-DNA position 7913, G replaced by A.
Protein change: p.Gly2638Asp; replaces glycine 2638 with aspartic acid.
Molecular consequence: missense variant.
Genome position (GRCh38, 1-based): chr5:128,272,046, C>T on the plus strand (G>A on the coding strand, the complement: FBN2 is on the minus strand). VCF-style: chr5-128272046-C-T. GRCh37 (hg19) VCF-style: chr5-127607738-C-T.
Other names: short protein forms G2638D.
Identifiers: ClinVar variation 1761195 (VCV001761195.10), dbSNP rs1313331450, ClinGen allele CA360751692.
Genomic context (GRCh38, chr5:128,272,046, plus strand): 5'-AAAGAGCACTCACCGACACACTGATTCCACTGGTAGTGCTGGATGTAGCCTTGGGGGCAG[C>T]CACATCTGTAGCCACCCAGGATGTTCTGGCAGCCGTGTTGGCACCTGTGGTTCCCATCAC-3'
Protein context (NP_001990.2, residues 2628-2648): CQNILGGYRC[Gly2638Asp]CPQGYIQHYQ